The following is an entry in ClinVar:

ClinVar aggregate classification (germline): Pathogenic (1 of 4 stars; one submission).

Conditions:
Episodic kinesigenic dyskinesia (EKD). Also called: Paroxysmal kinesigenic dyskinesia. Identifiers: Orphanet 98809, MedGen C1868682, MONDO:0044202.

Submission:

Labcorp Genetics (formerly Invitae), Labcorp
Classification: Pathogenic for Episodic kinesigenic dyskinesia. Last evaluated: 2023-04-08. Review status: criteria provided, single submitter. Criteria: Invitae Variant Classification Sherloc (09022015). Collection method: clinical testing. Allele origin: germline.
Comment: This variant disrupts a region of the PRRT2 protein in which other variant(s) (p.Ala306Asp) have been determined to be pathogenic (PMID: 23063574, 30392205, 31124310). This suggests that this is a clinically significant region of the protein, and that variants that disrupt it are likely to be disease-causing. This variant has not been reported in the literature in individuals affected with PRRT2-related conditions. This variant is not present in population databases (gnomAD no frequency). This variant, c.916_924del, results in the deletion of 3 amino acid(s) of the PRRT2 protein (p.Ala306_Arg308del), but otherwise preserves the integrity of the reading frame. For these reasons, this variant has been classified as Pathogenic.

Literature cited by the submitters: PubMed 23063574; PubMed 30392205; PubMed 31124310.

NM_145239.3(PRRT2):c.916_924del (p.Ala306_Arg308del)

Genes: MVP-DT (MVP divergent transcript; minus strand), PRRT2 (proline rich transmembrane protein 2; plus strand). Cytogenetic location: 16p11.2.
Variant type: Deletion.
Coding change: c.916_924del on transcript NM_145239.3 (MANE Select); coding-DNA positions 916 to 924, 9 bases deleted (GCCCAGCGT; older notation c.916_924delGCCCAGCGT).
Protein change: p.Ala306_Arg308del.
Molecular consequence: inframe deletion. On other transcripts: 3 prime UTR variant (1).
Genome position (GRCh38, 1-based): chr16:29,814,369-29,814,377, GCCCAGCGT deleted. VCF-style (leftmost placement, unchanged base first): chr16-29814368-GGCCCAGCGT-G. GRCh37 (hg19) VCF-style: chr16-29825689-GGCCCAGCGT-G.
Other names: c.916_924del, p.Ala306_Arg308del (NM_001256442.2); c.*415_*423del (NM_001256443.2).
Identifiers: ClinVar variation 2853674 (VCV002853674.3), dbSNP rs2543339003, ClinGen allele CA2739266715.